The following is an entry in ClinVar:

NM_017654.4(SAMD9):c.3653A>C (p.Asp1218Ala)

Gene: SAMD9 (sterile alpha motif domain containing 9; minus strand). Cytogenetic location: 7q21.2.
Variant type: single nucleotide variant.
Coding change: c.3653A>C on transcript NM_017654.4 (MANE Select); coding-DNA position 3653, A replaced by C.
Protein change: p.Asp1218Ala; replaces aspartic acid 1218 with alanine.
Molecular consequence: missense variant.
Genome position (GRCh38, 1-based): chr7:93,102,445, T>G on the plus strand (A>C on the coding strand, the complement: SAMD9 is on the minus strand). VCF-style: chr7-93102445-T-G. GRCh37 (hg19) VCF-style: chr7-92731758-T-G.
Other names: c.3653A>C, p.Asp1218Ala (NM_001193307.2); short protein forms D1218A.
Identifiers: ClinVar variation 4763064 (VCV004763064.1).

ClinVar aggregate classification (germline): Uncertain significance (1 of 4 stars; one submission).

Submission:

Labcorp Genetics (formerly Invitae), Labcorp
Classification: Uncertain significance. Last evaluated: 2025-11-24. Review status: criteria provided, single submitter. Criteria: Invitae Variant Classification Sherloc (09022015). Collection method: clinical testing. Allele origin: germline.
Comment: This sequence change replaces aspartic acid, which is acidic and polar, with alanine, which is neutral and non-polar, at codon 1218 of the SAMD9 protein (p.Asp1218Ala). This variant is not present in population databases (gnomAD no frequency). This variant has not been reported in the literature in individuals affected with SAMD9-related conditions. Invitae Evidence Modeling of protein sequence and biophysical properties (such as structural, functional, and spatial information, amino acid conservation, physicochemical variation, residue mobility, and thermodynamic stability) indicates that this missense variant is not expected to disrupt SAMD9 protein function with a negative predictive value of 95%. In summary, the available evidence is currently insufficient to determine the role of this variant in disease. Therefore, it has been classified as a Variant of Uncertain Significance.